The following is an entry in ClinVar:

NM_002691.4(POLD1):c.1093G>A (p.Gly365Ser)

Gene: POLD1 (DNA polymerase delta 1, catalytic subunit; plus strand). Cytogenetic location: 19q13.33.
Variant type: single nucleotide variant.
Coding change: c.1093G>A on transcript NM_002691.4 (MANE Select); coding-DNA position 1093, G replaced by A.
Protein change: p.Gly365Ser; replaces glycine 365 with serine.
Molecular consequence: missense variant. On other transcripts: non-coding transcript variant (1).
Genome position (GRCh38, 1-based): chr19:50,403,175, G>A. VCF-style: chr19-50403175-G-A. GRCh37 (hg19) VCF-style: chr19-50906432-G-A.
Other names: c.1093G>A, p.Gly365Ser (NM_001256849.1, NM_001308632.1); short protein forms G365S.
Identifiers: ClinVar variation 1000848 (VCV001000848.10), dbSNP rs2038729289, ClinGen allele CA406978308.

ClinVar aggregate classification (germline): Uncertain significance (1 of 4 stars; one submission).

Conditions:
POLD1-related polyposis and colorectal cancer syndrome (CRCS10). Also called: Colorectal cancer 10; COLORECTAL CANCER, SUSCEPTIBILITY TO, ON CHROMOSOME 19q; Colorectal cancer, susceptibility to, 10. Identifiers: Orphanet 220460, MedGen C2675481, MONDO:0012953, OMIM 612591.

Submission:

Labcorp Genetics (formerly Invitae), Labcorp
Classification: Uncertain significance for POLD1-related polyposis and colorectal cancer syndrome. Last evaluated: 2022-02-18. Review status: criteria provided, single submitter. Criteria: Invitae Variant Classification Sherloc (09022015). Collection method: clinical testing. Allele origin: germline.
Comment: In summary, the available evidence is currently insufficient to determine the role of this variant in disease. Therefore, it has been classified as a Variant of Uncertain Significance. This sequence change replaces glycine, which is neutral and non-polar, with serine, which is neutral and polar, at codon 365 of the POLD1 protein (p.Gly365Ser). This variant is not present in population databases (gnomAD no frequency). This variant has not been reported in the literature in individuals affected with POLD1-related conditions. ClinVar contains an entry for this variant (Variation ID: 1000848). Algorithms developed to predict the effect of missense changes on protein structure and function are either unavailable or do not agree on the potential impact of this missense change (SIFT: "Deleterious"; PolyPhen-2: "Probably Damaging"; Align-GVGD: "Class C0").